The following is an entry in ClinVar:

NM_020686.6(ABAT):c.*915C>G

Gene: ABAT (4-aminobutyrate aminotransferase; plus strand). Cytogenetic location: 16p13.2.
Variant type: single nucleotide variant.
Coding change: c.*915C>G on transcript NM_020686.6 (MANE Select); 915 bases downstream of the stop codon, C replaced by G.
Molecular consequence: 3 prime UTR variant.
Genome position (GRCh38, 1-based): chr16:8,782,345, C>G. VCF-style: chr16-8782345-C-G. GRCh37 (hg19) VCF-style: chr16-8876202-C-G.
Other names: c.*915C>G (NM_000663.5, NM_001127448.2, NM_001386600.1 and 14 more transcripts); c.*929C>G (NM_001386609.1, NM_001386616.1).
Identifiers: ClinVar variation 321107 (VCV000321107.6), dbSNP rs3743801, ClinGen allele CA10638525.

ClinVar aggregate classification (germline): Benign. Review status: criteria provided, multiple submitters, no conflicts (2 of 4 stars). 2 submissions from 2 submitters: Benign (2). Last evaluated 2018-01-13.

Conditions:
Gamma-aminobutyric acid transaminase deficiency (GABATD). Also called: GABA aminotransaminase deficiency; GABA transaminase deficiency; Gamma aminobutyrate transaminase deficiency; 4 alpha aminobutyrate transaminase deficiency. Identifiers: Orphanet 2066, MedGen C0342708, MONDO:0013166, OMIM 613163.

Allele frequency attached by ClinVar (database versions not stated): 1000 Genomes Project 30x 0.38195; 1000 Genomes Project 0.38498; TOPMed 0.40566; gnomAD 0.41460 and 0.41581; gnomAD exomes 0.55310.
gnomAD v4.1: 63,185 of 152,226 alleles (42%); highest among the groups gnomAD compares: Non-Finnish European, 46%; 13,226 homozygotes.

Submissions (2):

Illumina Laboratory Services, Illumina
Classification: Benign for Gamma-aminobutyric acid transaminase deficiency. Last evaluated: 2018-01-13. Review status: criteria provided, single submitter. Criteria: ICSL Variant Classification Criteria 13 December 2019. Collection method: clinical testing. Allele origin: germline.
Comment: This variant was observed in the ICSL laboratory as part of a predisposition screen in an ostensibly healthy population. It had not been previously curated by ICSL or reported in the Human Gene Mutation Database (HGMD: prior to June 1st, 2018), and was therefore a candidate for classification through an automated scoring system. Utilizing variant allele frequency, disease prevalence and penetrance estimates, and inheritance mode, an automated score was calculated to assess if this variant is too frequent to cause the disease. Based on the score and internal cut-off values, a variant classified as benign is not then subjected to further curation. The score for this variant resulted in a classification of benign for this disease.

Breakthrough Genomics
Classification: Benign. Review status: criteria provided, single submitter. Criteria: ACMG Guidelines, 2015. Collection method: not provided. Allele origin: germline. Inheritance: Autosomal recessive inheritance. Affected: yes.